The following is an entry in ClinVar:

NM_145239.3(PRRT2):c.178G>A (p.Asp60Asn)

Genes: MVP-DT (MVP divergent transcript; minus strand), PRRT2 (proline rich transmembrane protein 2; plus strand). Cytogenetic location: 16p11.2.
Variant type: single nucleotide variant.
Coding change: c.178G>A on transcript NM_145239.3 (MANE Select); coding-DNA position 178, G replaced by A.
Protein change: p.Asp60Asn; replaces aspartic acid 60 with asparagine.
Molecular consequence: missense variant.
Genome position (GRCh38, 1-based): chr16:29,813,232, G>A. VCF-style: chr16-29813232-G-A. GRCh37 (hg19) VCF-style: chr16-29824553-G-A.
Other names: c.178G>A, p.Asp60Asn (NM_001256442.2, NM_001256443.2, NM_001438120.1 and 2 more transcripts); short protein forms D60N.
Identifiers: ClinVar variation 4074608 (VCV004074608.1).
Genomic context (GRCh38, chr16:29,813,232, plus strand): 5'-GGGGTACCAGACCAGCCAGAGGCCCCGCAGCCAGGTCCAAACACCACTGCGGCCCCTGTG[G>A]ACTCAGGGCCCAAGGCTGGGCTGGCTCCAGAAACCACAGAGACCCCGGCTGGGGCCTCAG-3'
Protein context (NP_660282.2, residues 50-70): PGPNTTAAPV[Asp60Asn]SGPKAGLAPE

ClinVar aggregate classification (germline): Uncertain significance (1 of 4 stars; one submission).

Submission:

GeneDx
Classification: Uncertain significance. Last evaluated: 2025-02-06. Review status: criteria provided, single submitter. Criteria: GeneDx Variant Classification Process June 2021. Collection method: clinical testing. Allele origin: germline. Affected: yes.
Comment: Not observed at significant frequency in large population cohorts (gnomAD); In silico analysis supports that this missense variant has a deleterious effect on protein structure/function; Has not been previously published as pathogenic or benign to our knowledge